The following is an entry in ClinVar:

NM_058216.3(RAD51C):c.692_694delinsAA (p.Ser231_Glu232delinsTer)

Genes: RAD51C (RAD51 paralog C; plus strand), LOC129390903 (MPRA-validated peak2919 silencer; plus strand). Cytogenetic location: 17q22.
Variant type: Indel.
Coding change: c.692_694delinsAA on transcript NM_058216.3 (MANE Select); coding-DNA positions 692 to 694, CAG replaced by AA.
Protein change: p.Ser231_Glu232delinsTer.
Molecular consequence: nonsense. On other transcripts: non-coding transcript variant (1).
Genome position (GRCh38, 1-based): chr17:58,703,316-58,703,318, CAG replaced by AA. VCF-style: chr17-58703316-CAG-AA. GRCh37 (hg19) VCF-style: chr17-56780677-CAG-AA.
Identifiers: ClinVar variation 1330083 (VCV001330083.1), dbSNP rs2143801832, ClinGen allele CA2573054499.

ClinVar aggregate classification (germline): Pathogenic (1 of 4 stars; one submission).

Submission:

Quest Diagnostics Nichols Institute San Juan Capistrano
Classification: Pathogenic. Last evaluated: 2021-02-26. Review status: criteria provided, single submitter. Criteria: Quest Diagnostics criteria. Collection method: clinical testing. Allele origin: unknown.
Comment: This nonsense variant causes the premature termination of RAD51C protein synthesis. In the published literature this variant has been reported in an individual who underwent genetic testing for hereditary breast and/or ovarian cancer risk evaluation (PMID: 31742824 (2020)). Based on the available information, the variant is classified as pathogenic.

Literature cited by the submitters: PubMed 31742824.